The following is an entry in ClinVar:

ClinVar aggregate classification (germline): Pathogenic (1 of 4 stars; one submission).

Conditions:
PMM2-congenital disorder of glycosylation. Also called: PHOSPHOMANNOMUTASE 2 DEFICIENCY; CARBOHYDRATE-DEFICIENT GLYCOPROTEIN SYNDROME, TYPE Ia; PMM2-CDG; Congenital disorder of glycosylation, type Ia; CDG Ia; JAEKEN SYNDROME. Identifiers: Orphanet 79318, MedGen C0349653, MONDO:0008907, OMIM 212065.

Submission:

Labcorp Genetics (formerly Invitae), Labcorp
Classification: Pathogenic for Carbohydrate-deficient glycoprotein syndrome type I. Last evaluated: 2018-09-17. Review status: criteria provided, single submitter. Criteria: Invitae Variant Classification Sherloc (09022015). Collection method: clinical testing. Allele origin: germline.
Comment: This variant is a gross deletion of the genomic region encompassing exons 1-7 of the PMM2 gene, which includes the initiator codon. The 5' end of this event is unknown as it extends beyond the assayed region for this gene and therefore may encompass additional genes. The 3' boundary is likely confined to intron 7 of the PMM2 gene. This is expected to result in an absent or disrupted protein product. Deletion of exons 1-7 has not been reported in the literature in individuals with PMM2-related disease. Loss-of-function variants in PMM2 are known to be pathogenic (PMID: 19862844). For these reasons, this variant has been classified as Pathogenic.

NC_000016.10:g.(?_8797873)_(8813116_?)del

Genes: PMM2 (phosphomannomutase 2; plus strand), LOC130058391 (ATAC-STARR-seq lymphoblastoid silent region 7178; plus strand). Cytogenetic location: 16p13.2.
Variant type: Deletion.
Identifiers: ClinVar variation 639371 (VCV000639371.1).